The following is an entry in ClinVar:

NM_002180.3(IGHMBP2):c.2129C>T (p.Pro710Leu)

Gene: IGHMBP2 (immunoglobulin mu DNA binding protein 2; plus strand). Cytogenetic location: 11q13.3.
Variant type: single nucleotide variant.
Coding change: c.2129C>T on transcript NM_002180.3 (MANE Select); coding-DNA position 2129, C replaced by T.
Protein change: p.Pro710Leu; replaces proline 710 with leucine.
Molecular consequence: missense variant.
Genome position (GRCh38, 1-based): chr11:68,936,609, C>T. VCF-style: chr11-68936609-C-T. GRCh37 (hg19) VCF-style: chr11-68704077-C-T.
Other names: short protein forms P710L.
Identifiers: ClinVar variation 654485 (VCV000654485.9), dbSNP rs1594456094, ClinGen allele CA381652868.
Genomic context (GRCh38, chr11:68,936,609, plus strand): 5'-CCAGACAGGGCCGGAAGAAGCCGGCTGGGAAGTCTCTGGCCTCTGAAGCTCCATCTCAGC[C>T]CAGCCTCAACGGAGGCAGCCCAGAGGGAGTGGAGAGCCAAGATGGCGTGGACCACTTCCG-3'
Protein context (NP_002171.2, residues 700-720): KSLASEAPSQ[Pro710Leu]SLNGGSPEGV

ClinVar aggregate classification (germline): Uncertain significance (1 of 4 stars; one submission).

Conditions:
Charcot-Marie-Tooth disease axonal type 2S. Also called: CHARCOT-MARIE-TOOTH NEUROPATHY, TYPE 2S; CHARCOT-MARIE-TOOTH DISEASE, AXONAL, AUTOSOMAL RECESSIVE, TYPE 2S. Identifiers: Orphanet 443073, MedGen C4015349, MONDO:0014511, OMIM 616155.
Autosomal recessive distal spinal muscular atrophy 1. Also called: SEVERE INFANTILE AXONAL NEUROPATHY WITH RESPIRATORY FAILURE; SPINAL MUSCULAR ATROPHY, DIAPHRAGMATIC; Spinal muscular atrophy with respiratory distress 1; HMN VI; NEURONOPATHY, DISTAL HEREDITARY MOTOR, HARDING TYPE VI; NEUROPATHY, DISTAL HEREDITARY MOTOR, AUTOSOMAL RECESSIVE 1. Identifiers: Orphanet 98920, MedGen C1858517, MONDO:0011436, OMIM 604320.

gnomAD v4.1: 1 of 1,613,516 alleles (0.000062%); highest among the groups gnomAD compares: Non-Finnish European, 0.000085%; no homozygotes.

Submission:

Labcorp Genetics (formerly Invitae), Labcorp
Classification: Uncertain significance for Autosomal recessive distal spinal muscular atrophy 1; Charcot-Marie-Tooth disease axonal type 2S. Last evaluated: 2022-03-18. Review status: criteria provided, single submitter. Criteria: Invitae Variant Classification Sherloc (09022015). Collection method: clinical testing. Allele origin: germline.
Comment: This sequence change replaces proline, which is neutral and non-polar, with leucine, which is neutral and non-polar, at codon 710 of the IGHMBP2 protein (p.Pro710Leu). In summary, the available evidence is currently insufficient to determine the role of this variant in disease. Therefore, it has been classified as a Variant of Uncertain Significance. Advanced modeling of protein sequence and biophysical properties (such as structural, functional, and spatial information, amino acid conservation, physicochemical variation, residue mobility, and thermodynamic stability) performed at Invitae indicates that this missense variant is not expected to disrupt IGHMBP2 protein function. ClinVar contains an entry for this variant (Variation ID: 654485). This variant has not been reported in the literature in individuals affected with IGHMBP2-related conditions. This variant is not present in population databases (gnomAD no frequency).